The following is an entry in ClinVar:

ClinVar aggregate classification (germline): Uncertain significance (1 of 4 stars; one submission).

Allele frequency attached by ClinVar (database versions not stated): ExAC 0.00001; gnomAD exomes 0.00001 and 0.00002; TOPMed 0.00001.
gnomAD v4.1: 18 of 1,571,830 alleles (0.0011%); highest among the groups gnomAD compares: Non-Finnish European, 0.0015%; no homozygotes.

Submission:

Labcorp Genetics (formerly Invitae), Labcorp
Classification: Uncertain significance. Last evaluated: 2025-08-12. Review status: criteria provided, single submitter. Criteria: Invitae Variant Classification Sherloc (09022015). Collection method: clinical testing. Allele origin: germline.
Comment: This sequence change falls in intron 6 of the BCAT2 gene. It does not directly change the encoded amino acid sequence of the BCAT2 protein. It affects a nucleotide within the consensus splice site. This variant is present in population databases (rs752745354, gnomAD 0.004%). This variant has not been reported in the literature in individuals affected with BCAT2-related conditions. ClinVar contains an entry for this variant (Variation ID: 1346084). Variants that disrupt the consensus splice site are a relatively common cause of aberrant splicing (PMID: 17576681, 9536098). Algorithms developed to predict the effect of sequence changes on RNA splicing suggest that this variant may disrupt the consensus splice site. In summary, the available evidence is currently insufficient to determine the role of this variant in disease. Therefore, it has been classified as a Variant of Uncertain Significance.

Literature cited by the submitters: PubMed 17576681; PubMed 9536098.

NM_001190.4(BCAT2):c.695+4A>G

Gene: BCAT2 (branched chain amino acid transaminase 2; minus strand). Cytogenetic location: 19q13.33.
Variant type: single nucleotide variant.
Coding change: c.695+4A>G on transcript NM_001190.4 (MANE Select); 4 bases into the intron after coding-DNA position 695, A replaced by G.
Molecular consequence: intron variant.
Genome position (GRCh38, 1-based): chr19:48,799,671, T>C on the plus strand (A>G on the coding strand, the complement: BCAT2 is on the minus strand). VCF-style: chr19-48799671-T-C. GRCh37 (hg19) VCF-style: chr19-49302928-T-C.
Other names: c.419+4A>G (NM_001164773.2); c.575+4A>G (NM_001284325.2).
Identifiers: ClinVar variation 1346084 (VCV001346084.6), dbSNP rs752745354, ClinGen allele CA9558350.
Genomic context (GRCh38, chr19:48,799,671, plus strand): 5'-CGCTGGTCCCTGTGTCTCCAACGCCCAGTGCGCCAGTCGTTCTGGGGATGGGGGTGCTAC[T>C]TACCCACCTAACTTGTAGTTGCCGACCCCGCCCACCCAGGCCCGGATGAAGGCTGGGTCG-3'